The following is an entry in ClinVar:

NM_001098.3(ACO2):c.944T>G (p.Ile315Ser)

Gene: ACO2 (aconitase 2; plus strand). Cytogenetic location: 22q13.2.
Variant type: single nucleotide variant.
Coding change: c.944T>G on transcript NM_001098.3 (MANE Select); coding-DNA position 944, T replaced by G.
Protein change: p.Ile315Ser; replaces isoleucine 315 with serine.
Molecular consequence: missense variant.
Genome position (GRCh38, 1-based): chr22:41,518,484, T>G. VCF-style: chr22-41518484-T-G. GRCh37 (hg19) VCF-style: chr22-41914488-T-G.
Other names: short protein forms I315S.
Identifiers: ClinVar variation 1509697 (VCV001509697.8), dbSNP rs2146128452, ClinGen allele CA411722821.
Genomic context (GRCh38, chr22:41,518,484, plus strand): 5'-ACTCTCAAGAACAGTTTATGTTTCACGTGCTCCATCCCCGTCCCTTGTTGATTTCAGACA[T>G]TGCCAATCTAGCTGATGAATTCAAGGATCACTTGGTGCCTGACCCTGGCTGCCATTATGA-3'
Protein context (NP_001089.1, residues 305-325): KYLSKTGRED[Ile315Ser]ANLADEFKDH

ClinVar aggregate classification (germline): Uncertain significance (1 of 4 stars; one submission).

Submission:

Labcorp Genetics (formerly Invitae), Labcorp
Classification: Uncertain significance. Last evaluated: 2025-04-28. Review status: criteria provided, single submitter. Criteria: Invitae Variant Classification Sherloc (09022015). Collection method: clinical testing. Allele origin: germline.
Comment: This sequence change replaces isoleucine, which is neutral and non-polar, with serine, which is neutral and polar, at codon 315 of the ACO2 protein (p.Ile315Ser). This variant is not present in population databases (gnomAD no frequency). This variant has not been reported in the literature in individuals affected with ACO2-related conditions. ClinVar contains an entry for this variant (Variation ID: 1509697). Invitae Evidence Modeling of protein sequence and biophysical properties (such as structural, functional, and spatial information, amino acid conservation, physicochemical variation, residue mobility, and thermodynamic stability) indicates that this missense variant is expected to disrupt ACO2 protein function with a positive predictive value of 80%. In summary, the available evidence is currently insufficient to determine the role of this variant in disease. Therefore, it has been classified as a Variant of Uncertain Significance.